The following is an entry in ClinVar:

ClinVar aggregate classification (germline): Uncertain significance (1 of 4 stars; one submission).

Conditions:
Neurofibromatosis, type 1 (NF1). Also called: VON RECKLINGHAUSEN DISEASE; NEUROFIBROMATOSIS, TYPE I, SOMATIC; Peripheral type neurofibromatosis; Neurofibromatosis, type I. Identifiers: Orphanet 636, MedGen C0027831, MONDO:0018975, OMIM 162200. Disease mechanism: loss of function.

Submission:

Labcorp Genetics (formerly Invitae), Labcorp
Classification: Uncertain significance for Neurofibromatosis, type 1. Last evaluated: 2024-01-15. Review status: criteria provided, single submitter. Criteria: Invitae Variant Classification Sherloc (09022015). Collection method: clinical testing. Allele origin: germline.
Comment: This sequence change replaces tyrosine, which is neutral and polar, with histidine, which is basic and polar, at codon 1169 of the NF1 protein (p.Tyr1169His). This variant is not present in population databases (gnomAD no frequency). This variant has not been reported in the literature in individuals affected with NF1-related conditions. ClinVar contains an entry for this variant (Variation ID: 1044448). Advanced modeling of protein sequence and biophysical properties (such as structural, functional, and spatial information, amino acid conservation, physicochemical variation, residue mobility, and thermodynamic stability) performed at Invitae indicates that this missense variant is expected to disrupt NF1 protein function with a positive predictive value of 95%. In summary, the available evidence is currently insufficient to determine the role of this variant in disease. Therefore, it has been classified as a Variant of Uncertain Significance.

NM_001042492.3(NF1):c.3505T>C (p.Tyr1169His)

Gene: NF1 (neurofibromin 1; plus strand). Cytogenetic location: 17q11.2.
Variant type: single nucleotide variant.
Coding change: c.3505T>C on transcript NM_001042492.3 (MANE Select); coding-DNA position 3505, T replaced by C.
Protein change: p.Tyr1169His; replaces tyrosine 1169 with histidine.
Molecular consequence: missense variant.
Genome position (GRCh38, 1-based): chr17:31,233,010, T>C. VCF-style: chr17-31233010-T-C. GRCh37 (hg19) VCF-style: chr17-29560028-T-C.
Other names: c.3505T>C, p.Tyr1169His (NM_000267.4); short protein forms Y1169H.
Identifiers: ClinVar variation 1044448 (VCV001044448.5), dbSNP rs2067141225, ClinGen allele CA398989647.